The following is an entry in ClinVar:

ClinVar aggregate classification (germline): Uncertain significance. Review status: criteria provided, multiple submitters, no conflicts (2 of 4 stars). 2 submissions from 2 submitters: Uncertain significance (2). Last evaluated 2025-05-05.

Submissions (2):

Labcorp Genetics (formerly Invitae), Labcorp
Classification: Uncertain significance. Last evaluated: 2025-05-05. Review status: criteria provided, single submitter. Criteria: Invitae Variant Classification Sherloc (09022015). Collection method: clinical testing. Allele origin: germline.
Comment: This variant results in the deletion of part of exon 4 (c.876_917+174del) of the GALNT12 gene. It is expected to disrupt RNA splicing. Variants that disrupt the donor or acceptor splice site typically lead to a loss of protein function (PMID: 16199547), however the current clinical and genetic evidence is not sufficient to establish whether loss-of-function variants in GALNT12 cause disease. This variant is not present in population databases (gnomAD no frequency). This variant has not been reported in the literature in individuals affected with GALNT12-related conditions. ClinVar contains an entry for this variant (Variation ID: 2472862). In summary, the available evidence is currently insufficient to determine the role of this variant in disease. Therefore, it has been classified as a Variant of Uncertain Significance.

Ambry Genetics
Classification: Uncertain significance. Last evaluated: 2023-02-16. Review status: criteria provided, single submitter. Criteria: Ambry Variant Classification Scheme 2023. Collection method: clinical testing. Allele origin: germline.
Comment: The c.876_917+174del216 variant results from a deletion of 216 nucleotides between positions c.876 and c.917+174 and involves the canonical splice donor site after coding exon 4 of the GALNT12 gene. The canonical splice donor site is highly conserved in available vertebrate species. In silico splice site analysis predicts that this alteration will weaken the native splice donor site and may result in the creation or strengthening of a novel splice donor site; however, the exact impact of this deletion on GALNT12 splicing and function is currently unknown. Alterations that disrupt the canonical splice site are expected to cause aberrant splicing, resulting in an abnormal protein or a transcript that is subject to nonsense-mediated mRNA decay. However, the evidence for this gene-disease relationship is limited; therefore, the clinical significance of this alteration is unclear.

Literature cited by the submitters: PubMed 16199547 (cited by Labcorp Genetics (formerly Invitae), Labcorp).

NM_024642.5(GALNT12):c.876_917+174del

Gene: GALNT12 (polypeptide N-acetylgalactosaminyltransferase 12; plus strand). Cytogenetic location: 9q22.33.
Variant type: Deletion.
Coding change: c.876_917+174del on transcript NM_024642.5 (MANE Select); coding-DNA position 876 through 174 bases into the intron after coding-DNA position 917, 216 bases deleted.
Molecular consequence: splice donor variant.
Genome position (GRCh38, 1-based): chr9:98,831,916-98,832,131, 216 bases deleted. GRCh37 (hg19): chr9:101,594,198-101,594,413.
Identifiers: ClinVar variation 2472862 (VCV002472862.4), dbSNP rs2490518295, ClinGen allele CA2580080823.